The following is an entry in ClinVar:

NM_001365951.3(KIF1B):c.1502T>A (p.Ile501Asn)

Gene: KIF1B (kinesin family member 1B; plus strand). Cytogenetic location: 1p36.22.
Variant type: single nucleotide variant.
Coding change: c.1502T>A on transcript NM_001365951.3 (MANE Select); coding-DNA position 1502, T replaced by A.
Protein change: p.Ile501Asn; replaces isoleucine 501 with asparagine.
Molecular consequence: missense variant.
Genome position (GRCh38, 1-based): chr1:10,291,149, T>A. VCF-style: chr1-10291149-T-A. GRCh37 (hg19) VCF-style: chr1-10351207-T-A.
Other names: c.1502T>A, p.Ile501Asn (NM_001365952.1); c.1364T>A, p.Ile455Asn (NM_001365953.1, NM_015074.3, NM_183416.4); short protein forms I455N, I501N.
Identifiers: ClinVar variation 4858834 (VCV004858834.1).

ClinVar aggregate classification (germline): Uncertain significance (1 of 4 stars; one submission).

Submission:

Ambry Genetics
Classification: Uncertain significance. Last evaluated: 2026-04-12. Review status: criteria provided, single submitter. Criteria: Ambry Variant Classification Scheme 2023. Collection method: clinical testing. Allele origin: germline.
Comment: The p.I455N variant (also known as c.1364T>A), located in coding exon 13 of the KIF1B gene, results from a T to A substitution at nucleotide position 1364. The isoleucine at codon 455 is replaced by asparagine, an amino acid with dissimilar properties. This amino acid position is conserved. In addition, this alteration is predicted to be deleterious by in silico analysis. Based on the available evidence, the clinical significance of this variant remains unclear.